The following is an entry in ClinVar:

ClinVar aggregate classification (germline): Pathogenic (1 of 4 stars; one submission).

Submission:

Labcorp Genetics (formerly Invitae), Labcorp
Classification: Pathogenic. Last evaluated: 2025-08-11. Review status: criteria provided, single submitter. Criteria: Invitae Variant Classification Sherloc (09022015). Collection method: clinical testing. Allele origin: germline.
Comment: This sequence change creates a premature translational stop signal (p.Leu669Glnfs*13) in the SPTB gene. It is expected to result in an absent or disrupted protein product. Loss-of-function variants in SPTB are known to be pathogenic (PMID: 1391962, 1498324, 8844207, 26830532, 27292444). This variant is not present in population databases (gnomAD no frequency). This variant has not been reported in the literature in individuals affected with SPTB-related conditions. For these reasons, this variant has been classified as Pathogenic.

Literature cited by the submitters: PubMed 1391962; PubMed 1498324; PubMed 8844207; PubMed 26830532; PubMed 27292444.

NM_001355436.2(SPTB):c.2006_2010del (p.Leu669fs)

Gene: SPTB (spectrin beta, erythrocytic; minus strand). Cytogenetic location: 14q23.3.
Variant type: Deletion.
Coding change: c.2006_2010del on transcript NM_001355436.2 (MANE Select); coding-DNA positions 2006 to 2010, 5 bases deleted (TGACC; older notation c.2006_2010delTGACC).
Protein change: p.Leu669fs; shifts the reading frame from leucine 669.
Molecular consequence: frameshift variant.
Genome position (GRCh38, 1-based): chr14:64,793,653-64,793,657, GGTCA deleted on the plus strand (TGACC on the coding strand, the reverse complement: SPTB is on the minus strand); deleting any 5 consecutive bases within chr14:64,793,653-64,793,661 gives the same sequence; the c. name uses the placement nearest the transcript's 3' end. VCF-style (leftmost placement, unchanged base first): chr14-64793652-TGGTCA-T. GRCh37 (hg19) VCF-style: chr14-65260370-TGGTCA-T.
Other names: c.2006_2010del, p.Leu669fs (NM_001024858.4, NM_001355437.2); short protein forms L669fs.
Identifiers: ClinVar variation 4725295 (VCV004725295.1).